The following is an entry in ClinVar:

ClinVar aggregate classification (germline): Pathogenic (1 of 4 stars; one submission).

Submission:

Labcorp Genetics (formerly Invitae), Labcorp
Classification: Pathogenic. Last evaluated: 2023-03-03. Review status: criteria provided, single submitter. Criteria: Invitae Variant Classification Sherloc (09022015). Collection method: clinical testing. Allele origin: germline.
Comment: This sequence change creates a premature translational stop signal (p.Trp535*) in the MME gene. It is expected to result in an absent or disrupted protein product. Loss-of-function variants in MME are known to be pathogenic (PMID: 26991897). This variant is not present in population databases (gnomAD no frequency). This variant has not been reported in the literature in individuals affected with MME-related conditions. Algorithms developed to predict the effect of sequence changes on RNA splicing suggest that this variant may create or strengthen a splice site. For these reasons, this variant has been classified as Pathogenic.

Literature cited by the submitters: PubMed 26991897.

NM_007289.4(MME):c.1604G>A (p.Trp535Ter)

Gene: MME (membrane metalloendopeptidase; plus strand). Cytogenetic location: 3q25.2.
Variant type: single nucleotide variant.
Coding change: c.1604G>A on transcript NM_007289.4 (MANE Select); coding-DNA position 1604, G replaced by A.
Protein change: p.Trp535Ter; replaces tryptophan 535 with a stop codon.
Molecular consequence: nonsense.
Genome position (GRCh38, 1-based): chr3:155,160,392, G>A. VCF-style: chr3-155160392-G-A. GRCh37 (hg19) VCF-style: chr3-154878181-G-A.
Other names: c.1604G>A, p.Trp535Ter (NM_000902.5, NM_001354642.2, NM_001354643.1 and 2 more transcripts); short protein forms W535*.
Identifiers: ClinVar variation 2842396 (VCV002842396.3), dbSNP rs2473134646, ClinGen allele CA355217957.